The following is an entry in ClinVar:

NM_006269.2(RP1):c.1779G>T (p.Lys593Asn)

Gene: RP1 (RP1 axonemal microtubule associated; plus strand). Cytogenetic location: 8q12.1.
Variant type: single nucleotide variant.
Coding change: c.1779G>T on transcript NM_006269.2 (MANE Select); coding-DNA position 1779, G replaced by T.
Protein change: p.Lys593Asn; replaces lysine 593 with asparagine.
Molecular consequence: missense variant. On other transcripts: intron variant (1).
Genome position (GRCh38, 1-based): chr8:54,625,661, G>T. VCF-style: chr8-54625661-G-T. GRCh37 (hg19) VCF-style: chr8-55538221-G-T.
Other names: c.1779G>T (NM_006269.1); c.787+3373G>T (NM_001375654.1); short protein forms K593N.
Identifiers: ClinVar variation 1022569 (VCV001022569.11), dbSNP rs747328453, ClinGen allele CA4751432.
Genomic context (GRCh38, chr8:54,625,661, plus strand): 5'-CTCAATTGTGGAGGAAGATGTAGTTGATTGTGTGGTATTGGACAACAAAACTGGTATCAA[G>T]AACTTCAAAACTTATGGTAACACCAATGATAGGTTCAGTCCTATTTCAGCAGATGCAACC-3'
Protein context (NP_006260.1, residues 583-603): CVVLDNKTGI[Lys593Asn]NFKTYGNTND

ClinVar aggregate classification (germline): Uncertain significance. Review status: criteria provided, multiple submitters, no conflicts (2 of 4 stars). 4 submissions from 4 submitters: Uncertain significance (4). Last evaluated 2025-01-03.

Conditions:
Inborn genetic diseases. Identifiers: MedGen C0950123, MeSH D030342.
RP1-related disorder. Also called: RP1-related condition.

Allele frequency attached by ClinVar (database versions not stated): ExAC 0.00001; gnomAD exomes 0.00001; TOPMed 0.00001; gnomAD 0.00002.
gnomAD v4.1: 51 of 1,613,984 alleles (0.0032%); highest among the groups gnomAD compares: Non-Finnish European, 0.0041%; no homozygotes.

Submissions (4):

PreventionGenetics, part of Exact Sciences
Classification: Uncertain significance for RP1-related condition. Last evaluated: 2025-01-03. Review status: criteria provided, single submitter. Criteria: ACMG Guidelines, 2015. Collection method: clinical testing. Allele origin: germline.
Comment: The RP1 c.1779G>T variant is predicted to result in the amino acid substitution p.Lys593Asn. To our knowledge, this variant has not been reported in the literature. This variant is reported in 0.0039% of alleles in individuals of European (Non-Finnish) descent in gnomAD. At this time, the clinical significance of this variant is uncertain due to the absence of conclusive functional and genetic evidence.

Ambry Genetics
Classification: Uncertain significance for Inborn genetic diseases. Last evaluated: 2024-07-22. Review status: criteria provided, single submitter. Criteria: Ambry Variant Classification Scheme 2023. Collection method: clinical testing. Allele origin: germline.

Blueprint Genetics
Classification: Uncertain significance. Last evaluated: 2023-01-20. Review status: criteria provided, single submitter. Criteria: ACMG Guidelines, 2015. Collection method: clinical testing. Allele origin: germline.

Labcorp Genetics (formerly Invitae), Labcorp
Classification: Uncertain significance. Last evaluated: 2020-03-16. Review status: criteria provided, single submitter. Criteria: Invitae Variant Classification Sherloc (09022015). Collection method: clinical testing. Allele origin: germline.
Comment: This sequence change replaces lysine with asparagine at codon 593 of the RP1 protein (p.Lys593Asn). The lysine residue is highly conserved and there is a moderate physicochemical difference between lysine and asparagine. This variant is present in population databases (rs747328453, ExAC 0.001%). This variant has not been reported in the literature in individuals with RP1-related conditions. Algorithms developed to predict the effect of missense changes on protein structure and function (SIFT, PolyPhen-2, Align-GVGD) all suggest that this variant is likely to be disruptive, but these predictions have not been confirmed by published functional studies and their clinical significance is uncertain. In summary, the available evidence is currently insufficient to determine the role of this variant in disease. Therefore, it has been classified as a Variant of Uncertain Significance.